The following is an entry in ClinVar:

NM_182914.3(SYNE2):c.1508A>T (p.Asp503Val)

Gene: SYNE2 (spectrin repeat containing nuclear envelope protein 2; plus strand). Cytogenetic location: 14q23.2.
Variant type: single nucleotide variant.
Coding change: c.1508A>T on transcript NM_182914.3 (MANE Select); coding-DNA position 1508, A replaced by T.
Protein change: p.Asp503Val; replaces aspartic acid 503 with valine.
Molecular consequence: missense variant.
Genome position (GRCh38, 1-based): chr14:63,978,953, A>T. VCF-style: chr14-63978953-A-T. GRCh37 (hg19) VCF-style: chr14-64445671-A-T.
Other names: c.1508A>T, p.Asp503Val (NM_015180.6); short protein forms D503V.
Identifiers: ClinVar variation 4742348 (VCV004742348.1).

ClinVar aggregate classification (germline): Uncertain significance (1 of 4 stars; one submission).

Conditions:
Emery-Dreifuss muscular dystrophy 5, autosomal dominant (EDMD5). Also called: EMERY-DREIFUSS MUSCULAR DYSTROPHY 5. Identifiers: Orphanet 261, MedGen C2751805, MONDO:0013072, OMIM 612999.

gnomAD v4.1: 78 of 1,613,608 alleles (0.0048%); highest among the groups gnomAD compares: Non-Finnish European, 0.0066%; no homozygotes.

Submission:

Labcorp Genetics (formerly Invitae), Labcorp
Classification: Uncertain significance for Emery-Dreifuss muscular dystrophy 5, autosomal dominant. Last evaluated: 2025-12-27. Review status: criteria provided, single submitter. Criteria: Invitae Variant Classification Sherloc (09022015). Collection method: clinical testing. Allele origin: germline.
Comment: This sequence change replaces aspartic acid, which is acidic and polar, with valine, which is neutral and non-polar, at codon 503 of the SYNE2 protein (p.Asp503Val). This variant is present in population databases (rs748011744, gnomAD 0.002%). This variant has not been reported in the literature in individuals affected with SYNE2-related conditions. An algorithm developed to predict the effect of missense changes on protein structure and function outputs the following: PolyPhen-2: "Benign". The valine amino acid residue is found in multiple mammalian species, which suggests that this missense change does not adversely affect protein function. Algorithms developed to predict the effect of sequence changes on RNA splicing suggest that this variant may disrupt the consensus splice site. In summary, the available evidence is currently insufficient to determine the role of this variant in disease. Therefore, it has been classified as a Variant of Uncertain Significance.